The following is an entry in ClinVar:

NM_000179.3(MSH6):c.1542T>C (p.Cys514=)

Gene: MSH6 (mutS homolog 6; plus strand). Cytogenetic location: 2p16.3.
Variant type: single nucleotide variant.
Coding change: c.1542T>C on transcript NM_000179.3 (MANE Select); coding-DNA position 1542, T replaced by C.
Protein change: p.Cys514=; no amino-acid change (cysteine 514 retained).
Molecular consequence: synonymous variant.
Genome position (GRCh38, 1-based): chr2:47,799,525, T>C. VCF-style: chr2-47799525-T-C. GRCh37 (hg19) VCF-style: chr2-48026664-T-C.
Other names: c.1152T>C, p.Cys384= (NM_001281492.2); c.636T>C, p.Cys212= (NM_001281493.2, NM_001281494.2).
Identifiers: ClinVar variation 628841 (VCV000628841.16), dbSNP rs1558662041, ClinGen allele CA426121216.

ClinVar aggregate classification (germline): Benign/Likely benign. Review status: criteria provided, multiple submitters, no conflicts (2 of 4 stars). 5 submissions from 5 submitters: Benign (1); Likely benign (4). Last evaluated 2025-03-14.

Conditions:
Lynch syndrome 5 (LYNCH5). Also called: Colorectal cancer, hereditary nonpolyposis, type 5; Hereditary non-polyposis colorectal cancer, type 5. Identifiers: Orphanet 144, MedGen C1833477, MONDO:0013710, OMIM 614350. Disease mechanism: loss of function.
Hereditary nonpolyposis colorectal neoplasms. Identifiers: MedGen C0009405, MeSH D003123.
Hereditary cancer-predisposing syndrome. Also called: Neoplastic Syndromes, Hereditary; Tumor predisposition; Hereditary neoplastic syndrome; Hereditary Cancer Syndrome. Identifiers: Orphanet 140162, MedGen C0027672, MeSH D009386, MONDO:0015356.

Allele frequency attached by ClinVar (database versions not stated): gnomAD exomes below 0.00001.
gnomAD v4.1: 1 of 1,614,170 alleles (0.000062%); no homozygotes.

Submissions (5):

Ambry Genetics
Classification: Likely benign for Hereditary cancer-predisposing syndrome. Last evaluated: 2025-03-14. Review status: criteria provided, single submitter. Criteria: Ambry Variant Classification Scheme 2023. Collection method: clinical testing. Allele origin: germline.

Myriad Genetics, Inc.
Classification: Benign for Lynch syndrome 5. Last evaluated: 2024-12-27. Review status: criteria provided, single submitter. Criteria: Myriad Autosomal Dominant, Autosomal Recessive and X-Linked Classification Criteria (2023). Collection method: clinical testing. Allele origin: unknown.
Comment: This variant is considered benign. This variant is a silent/synonymous amino acid change and it is not expected to impact splicing.

Labcorp Genetics (formerly Invitae), Labcorp
Classification: Likely benign for Hereditary nonpolyposis colorectal neoplasms. Last evaluated: 2024-04-30. Review status: criteria provided, single submitter. Criteria: Invitae Variant Classification Sherloc (09022015). Collection method: clinical testing. Allele origin: germline.

GeneDx
Classification: Likely benign. Last evaluated: 2018-10-22. Review status: criteria provided, single submitter. Criteria: GeneDx Variant Classification Process June 2021. Collection method: clinical testing. Allele origin: germline. Affected: yes.

Color Diagnostics, LLC DBA Color Health
Classification: Likely benign for Hereditary cancer-predisposing syndrome. Last evaluated: 2018-07-10. Review status: criteria provided, single submitter. Criteria: ACMG Guidelines, 2015. Collection method: clinical testing. Allele origin: germline.